The following is an entry in ClinVar:

NM_001009999.3(KDM1A):c.2608G>A (p.Ala870Thr)

Gene: KDM1A (lysine demethylase 1A; plus strand). Cytogenetic location: 1p36.12.
Variant type: single nucleotide variant.
Coding change: c.2608G>A on transcript NM_001009999.3 (MANE Select); coding-DNA position 2608, G replaced by A.
Protein change: p.Ala870Thr; replaces alanine 870 with threonine.
Molecular consequence: missense variant. On other transcripts: 3 prime UTR variant (1).
Genome position (GRCh38, 1-based): chr1:23,083,341, G>A. VCF-style: chr1-23083341-G-A. GRCh37 (hg19) VCF-style: chr1-23409834-G-A.
Other names: c.2554G>A, p.Ala852Thr (NM_001363654.2); c.2614G>A, p.Ala872Thr (NM_001410762.1); c.*856G>A (NM_001410763.1); c.2536G>A, p.Ala846Thr (NM_015013.4); short protein forms A846T, A852T, A870T, A872T.
Identifiers: ClinVar variation 4858698 (VCV004858698.1).

ClinVar aggregate classification (germline): Uncertain significance (1 of 4 stars; one submission).

Conditions:
Inborn genetic diseases. Identifiers: MedGen C0950123, MeSH D030342.

Submission:

Ambry Genetics
Classification: Uncertain significance for Inborn genetic diseases. Last evaluated: 2026-03-28. Review status: criteria provided, single submitter. Criteria: Ambry Variant Classification Scheme 2023. Collection method: clinical testing. Allele origin: germline.
Comment: The p.A870T variant (also known as c.2608G>A), located in coding exon 21 of the KDM1A gene, results from a G to A substitution at nucleotide position 2608. The alanine at codon 870 is replaced by threonine, an amino acid with similar properties. This amino acid position is conserved. In addition, this alteration is predicted to be tolerated by in silico analysis. Based on the available evidence, the clinical significance of this variant remains unclear.